The following is an entry in ClinVar:

NM_182961.4(SYNE1):c.19345G>T (p.Asp6449Tyr)

Gene: SYNE1 (spectrin repeat containing nuclear envelope protein 1; minus strand). Cytogenetic location: 6q25.2.
Variant type: single nucleotide variant.
Coding change: c.19345G>T on transcript NM_182961.4 (MANE Select); coding-DNA position 19345, G replaced by T.
Protein change: p.Asp6449Tyr; replaces aspartic acid 6449 with tyrosine.
Molecular consequence: missense variant.
Genome position (GRCh38, 1-based): chr6:152,255,005, C>A on the plus strand (G>T on the coding strand, the complement: SYNE1 is on the minus strand). VCF-style: chr6-152255005-C-A. GRCh37 (hg19) VCF-style: chr6-152576140-C-A.
Other names: c.19132G>T, p.Asp6378Tyr (NM_033071.5); short protein forms D6378Y, D6449Y.
Identifiers: ClinVar variation 471014 (VCV000471014.6), dbSNP rs1315831856, ClinGen allele CA366136498.

ClinVar aggregate classification (germline): Uncertain significance (1 of 4 stars; one submission).

Conditions:
Emery-Dreifuss muscular dystrophy 4, autosomal dominant (EDMD4). Also called: EMERY-DREIFUSS MUSCULAR DYSTROPHY 4 WITH VARIABLE FEATURES. Identifiers: Orphanet 261, MedGen C2751807, MONDO:0013071, OMIM 612998.
Autosomal recessive ataxia, Beauce type. Also called: SYNE1-Related Autosomal Recessive Cerebellar Ataxia; Spinocerebellar ataxia, autosomal recessive 8; ATAXIA, RECESSIVE, OF BEAUCE; SYNE1 Deficiency. Identifiers: Orphanet 88644, MedGen C1853116, MONDO:0012549, OMIM 610743.

Allele frequency attached by ClinVar (database versions not stated): TOPMed 0.00001.
gnomAD v4.1: 1 of 1,613,828 alleles (0.000062%); highest among the groups gnomAD compares: African/African-American, 0.0013%; no homozygotes.

Submission:

Labcorp Genetics (formerly Invitae), Labcorp
Classification: Uncertain significance for Emery-Dreifuss muscular dystrophy 4, autosomal dominant; Autosomal recessive ataxia, Beauce type. Last evaluated: 2022-07-12. Review status: criteria provided, single submitter. Criteria: Invitae Variant Classification Sherloc (09022015). Collection method: clinical testing. Allele origin: germline.
Comment: This sequence change replaces aspartic acid, which is acidic and polar, with tyrosine, which is neutral and polar, at codon 6378 of the SYNE1 protein (p.Asp6378Tyr). This variant is not present in population databases (gnomAD no frequency). This variant has not been reported in the literature in individuals affected with SYNE1-related conditions. ClinVar contains an entry for this variant (Variation ID: 471014). Algorithms developed to predict the effect of missense changes on protein structure and function (SIFT, PolyPhen-2, Align-GVGD) all suggest that this variant is likely to be disruptive. In summary, the available evidence is currently insufficient to determine the role of this variant in disease. Therefore, it has been classified as a Variant of Uncertain Significance.